The following is an entry in ClinVar:

ClinVar aggregate classification (germline): Uncertain significance (1 of 4 stars; one submission).

Allele frequency attached by ClinVar (database versions not stated): gnomAD 0.00003; gnomAD exomes 0.00002; TOPMed 0.00002.
gnomAD v4.1: 30 of 1,465,922 alleles (0.002%); highest among the groups gnomAD compares: Non-Finnish European, 0.0024%; no homozygotes.

Submission:

Labcorp Genetics (formerly Invitae), Labcorp
Classification: Uncertain significance. Last evaluated: 2026-01-15. Review status: criteria provided, single submitter. Criteria: Invitae Variant Classification Sherloc (09022015). Collection method: clinical testing. Allele origin: germline.
Comment: This sequence change replaces alanine, which is neutral and non-polar, with valine, which is neutral and non-polar, at codon 453 of the SHANK1 protein (p.Ala453Val). This variant is present in population databases (rs781105125, gnomAD 0.01%). This variant has not been reported in the literature in individuals affected with SHANK1-related conditions. ClinVar contains an entry for this variant (Variation ID: 2103999). An algorithm developed to predict the effect of missense changes on protein structure and function (PolyPhen-2) suggests that this variant is likely to be tolerated. In summary, the available evidence is currently insufficient to determine the role of this variant in disease. Therefore, it has been classified as a Variant of Uncertain Significance.

NM_016148.5(SHANK1):c.1358C>T (p.Ala453Val)

Gene: SHANK1 (SH3 and multiple ankyrin repeat domains 1; minus strand). Cytogenetic location: 19q13.33.
Variant type: single nucleotide variant.
Coding change: c.1358C>T on transcript NM_016148.5 (MANE Select); coding-DNA position 1358, C replaced by T.
Protein change: p.Ala453Val; replaces alanine 453 with valine.
Molecular consequence: missense variant.
Genome position (GRCh38, 1-based): chr19:50,703,695, G>A on the plus strand (C>T on the coding strand, the complement: SHANK1 is on the minus strand). VCF-style: chr19-50703695-G-A. GRCh37 (hg19) VCF-style: chr19-51206952-G-A.
Other names: short protein forms A453V.
Identifiers: ClinVar variation 2103999 (VCV002103999.4), dbSNP rs781105125, ClinGen allele CA9601887.